The following is an entry in ClinVar:

ClinVar aggregate classification (germline): Pathogenic/Likely pathogenic. Review status: criteria provided, multiple submitters, no conflicts (2 of 4 stars). 3 submissions from 3 submitters: Pathogenic (1); Likely pathogenic (2). Last evaluated 2024-02-10.

Conditions:
Severe combined immunodeficiency, autosomal recessive, T cell-negative, B cell-negative, NK cell-positive. Also called: SCID, T CELL-NEGATIVE, B CELL-NEGATIVE, NK CELL-POSITIVE; SCID, AR, T-cell negative, B-cell negative, NK cell-positive; Severe combined immunodeficiency due to complete RAG1/2 deficiency. Identifiers: Orphanet 331206, MedGen C1832322, MONDO:0011086, OMIM 601457.
Combined immunodeficiency with skin granulomas. Identifiers: Orphanet 157949, MedGen C2673536, MONDO:0009306, OMIM 233650.
Histiocytic medullary reticulosis. Also called: SEVERE COMBINED IMMUNODEFICIENCY WITH HYPEREOSINOPHILIA; Omenn syndrome. Identifiers: Orphanet 39041, MedGen C2700553, MONDO:0011338, OMIM 603554.

Submissions (3):

Fulgent Genetics
Classification: Likely pathogenic for Combined immunodeficiency with skin granulomas; Severe combined immunodeficiency, autosomal recessive, T cell-negative, B cell-negative, NK cell-positive; Histiocytic medullary reticulosis. Last evaluated: 2024-02-10. Review status: criteria provided, single submitter. Criteria: ACMG Guidelines, 2015. Collection method: clinical testing. Allele origin: germline.

Labcorp Genetics (formerly Invitae), Labcorp
Classification: Pathogenic for Combined immunodeficiency with skin granulomas; Severe combined immunodeficiency, autosomal recessive, T cell-negative, B cell-negative, NK cell-positive. Last evaluated: 2023-09-10. Review status: criteria provided, single submitter. Criteria: Invitae Variant Classification Sherloc (09022015). Collection method: clinical testing. Allele origin: germline.
Comment: For these reasons, this variant has been classified as Pathogenic. This variant disrupts a region of the RAG2 protein in which other variant(s) (p.His481Arg) have been determined to be pathogenic (PMID: 32445296). This suggests that this is a clinically significant region of the protein, and that variants that disrupt it are likely to be disease-causing. This variant has not been reported in the literature in individuals affected with RAG2-related conditions. This variant is not present in population databases (gnomAD no frequency). This sequence change creates a premature translational stop signal (p.Ser160*) in the RAG2 gene. While this is not anticipated to result in nonsense mediated decay, it is expected to disrupt the last 368 amino acid(s) of the RAG2 protein.

Baylor Genetics
Classification: Likely pathogenic for Combined immunodeficiency with skin granulomas. Last evaluated: 2022-03-20. Review status: criteria provided, single submitter. Criteria: ACMG Guidelines, 2015. Collection method: clinical testing. Allele origin: unknown.

Literature cited by the submitters: PubMed 32445296 (cited by Labcorp Genetics (formerly Invitae), Labcorp).

NM_000536.4(RAG2):c.479C>A (p.Ser160Ter)

Gene: RAG2 (recombination activating 2; minus strand). Cytogenetic location: 11p12.
Variant type: single nucleotide variant.
Coding change: c.479C>A on transcript NM_000536.4 (MANE Select); coding-DNA position 479, C replaced by A.
Protein change: p.Ser160Ter; replaces serine 160 with a stop codon.
Molecular consequence: nonsense.
Genome position (GRCh38, 1-based): chr11:36,593,690, G>T on the plus strand (C>A on the coding strand, the complement: RAG2 is on the minus strand). VCF-style: chr11-36593690-G-T. GRCh37 (hg19) VCF-style: chr11-36615240-G-T.
Other names: c.479C>A, p.Ser160Ter (NM_001243785.2, NM_001243786.2); short protein forms S160*.
Identifiers: ClinVar variation 2678220 (VCV002678220.5), dbSNP rs756694972, ClinGen allele CA380142890.